The following is an entry in ClinVar:

ClinVar aggregate classification (germline): Uncertain significance (1 of 4 stars; one submission).

Conditions:
Gorlin syndrome. Also called: Nevoid Basal Cell Carcinoma Syndrome; Basal cell nevus syndrome. Identifiers: Orphanet 377, MedGen C0004779, MONDO:0007187.

Allele frequency attached by ClinVar (database versions not stated): gnomAD exomes below 0.00001.
gnomAD v4.1: 1 of 1,262,502 alleles (0.000079%); highest among the groups gnomAD compares: South Asian, 0.0028%; no homozygotes.

Submission:

Labcorp Genetics (formerly Invitae), Labcorp
Classification: Uncertain significance for Gorlin syndrome. Last evaluated: 2025-02-17. Review status: criteria provided, single submitter. Criteria: Invitae Variant Classification Sherloc (09022015). Collection method: clinical testing. Allele origin: germline.
Comment: This sequence change replaces alanine, which is neutral and non-polar, with serine, which is neutral and polar, at codon 8 of the PTCH1 protein (p.Ala8Ser). This variant is not present in population databases (gnomAD no frequency). This variant has not been reported in the literature in individuals affected with PTCH1-related conditions. ClinVar contains an entry for this variant (Variation ID: 1500127). Invitae Evidence Modeling of protein sequence and biophysical properties (such as structural, functional, and spatial information, amino acid conservation, physicochemical variation, residue mobility, and thermodynamic stability) indicates that this missense variant is not expected to disrupt PTCH1 protein function with a negative predictive value of 95%. In summary, the available evidence is currently insufficient to determine the role of this variant in disease. Therefore, it has been classified as a Variant of Uncertain Significance.

NM_000264.5(PTCH1):c.22G>T (p.Ala8Ser)

Genes: PTCH1 (patched 1; minus strand), LOC130002133 (ATAC-STARR-seq lymphoblastoid silent region 20071; plus strand). Cytogenetic location: 9q22.32.
Variant type: single nucleotide variant.
Coding change: c.22G>T on transcript NM_000264.5 (MANE Select); coding-DNA position 22, G replaced by T.
Protein change: p.Ala8Ser; replaces alanine 8 with serine.
Molecular consequence: missense variant. On other transcripts: non-coding transcript variant (1), intron variant (3).
Genome position (GRCh38, 1-based): chr9:95,508,340, C>A on the plus strand (G>T on the coding strand, the complement: PTCH1 is on the minus strand). VCF-style: chr9-95508340-C-A. GRCh37 (hg19) VCF-style: chr9-98270622-C-A.
Other names: c.22G>T, p.Ala8Ser (NM_001354918.2); c.199-1741G>T (NM_001083603.3); c.4-1741G>T (NM_001083602.3, NM_001354919.2); short protein forms A8S.
Identifiers: ClinVar variation 1500127 (VCV001500127.6), dbSNP rs2118910390, ClinGen allele CA374121669.
Genomic context (GRCh38, chr9:95,508,340, plus strand): 5'-CCGGCCGTCCCGGGGCACCGATACAGCCGCTGCCGCCGCCGCCGCGGTCCTGGGGCTCGG[C>A]GGCGTTACCAGCCGAGGCCATGTTGCCGCCGCCGCCGCCGCCGCCGCGGGGACGGAGGCT-3'
Protein context (NP_000255.2, residues 1-18): MASAGNA[Ala8Ser]EPQDRGGGGS